The following is an entry in ClinVar:

NM_001134363.3(RBM20):c.2188G>C (p.Gly730Arg)

Gene: RBM20 (RNA binding motif protein 20; plus strand). Cytogenetic location: 10q25.2.
Variant type: single nucleotide variant.
Coding change: c.2188G>C on transcript NM_001134363.3 (MANE Select); coding-DNA position 2188, G replaced by C.
Protein change: p.Gly730Arg; replaces glycine 730 with arginine.
Molecular consequence: missense variant.
Genome position (GRCh38, 1-based): chr10:110,812,585, G>C. VCF-style: chr10-110812585-G-C. GRCh37 (hg19) VCF-style: chr10-112572343-G-C.
Other names: short protein forms G730R.
Identifiers: ClinVar variation 1443572 (VCV001443572.8), dbSNP rs1844785438, ClinGen allele CA378372477.

ClinVar aggregate classification (germline): Uncertain significance (1 of 4 stars; one submission).

Conditions:
Dilated cardiomyopathy 1DD (CMD1DD). Identifiers: Orphanet 154, MedGen C2750995, MONDO:0013168, OMIM 613172.

Submission:

Labcorp Genetics (formerly Invitae), Labcorp
Classification: Uncertain significance for Dilated cardiomyopathy 1DD. Last evaluated: 2021-07-26. Review status: criteria provided, single submitter. Criteria: Invitae Variant Classification Sherloc (09022015). Collection method: clinical testing. Allele origin: germline.
Comment: Advanced modeling of protein sequence and biophysical properties (such as structural, functional, and spatial information, amino acid conservation, physicochemical variation, residue mobility, and thermodynamic stability) performed at Invitae indicates that this missense variant is not expected to disrupt RBM20 protein function. This variant has not been reported in the literature in individuals affected with RBM20-related conditions. This variant is not present in population databases (ExAC no frequency). This sequence change replaces glycine with arginine at codon 730 of the RBM20 protein (p.Gly730Arg). The glycine residue is highly conserved and there is a moderate physicochemical difference between glycine and arginine. In summary, the available evidence is currently insufficient to determine the role of this variant in disease. Therefore, it has been classified as a Variant of Uncertain Significance.